The following is an entry in ClinVar:

NM_032444.4(SLX4):c.5029C>T (p.Pro1677Ser)

Gene: SLX4 (SLX4 structure-specific endonuclease subunit; minus strand). Cytogenetic location: 16p13.3.
Variant type: single nucleotide variant.
Coding change: c.5029C>T on transcript NM_032444.4 (MANE Select); coding-DNA position 5029, C replaced by T.
Protein change: p.Pro1677Ser; replaces proline 1677 with serine.
Molecular consequence: missense variant.
Genome position (GRCh38, 1-based): chr16:3,583,221, G>A on the plus strand (C>T on the coding strand, the complement: SLX4 is on the minus strand). VCF-style: chr16-3583221-G-A. GRCh37 (hg19) VCF-style: chr16-3633222-G-A.
Other names: c.5029C>T (LRG_503t1); short protein forms P1677S.
Identifiers: ClinVar variation 212220 (VCV000212220.43), dbSNP rs7196345, ClinGen allele CA205804.

ClinVar aggregate classification (germline): Benign/Likely benign. Review status: criteria provided, multiple submitters, no conflicts (2 of 4 stars). 9 submissions from 9 submitters: Benign (3); Likely benign (6). Last evaluated 2026-09-01.

Conditions:
Fanconi anemia complementation group P. Also called: SLX4-Related Fanconi Anemia. Identifiers: Orphanet 84, MedGen C3469542, MONDO:0013499, OMIM 613951.
Fanconi anemia (FA). Also called: Fanconi's anemia. Identifiers: Orphanet 84, MedGen C0015625, MeSH D005199, MONDO:0019391.

Allele frequency attached by ClinVar (database versions not stated): gnomAD exomes 0.00110; ExAC 0.00149; 1000 Genomes Project 0.00359; gnomAD 0.00363; ESP Exome Variant Server 0.00392; 1000 Genomes Project 30x 0.00406; TOPMed 0.00436.
gnomAD v4.1: 1,197 of 1,614,196 alleles (0.074%); highest among the groups gnomAD compares: African/African-American, 1.3%; 7 homozygotes.

Submissions (9):

CeGaT Center for Human Genetics Tuebingen
Classification: Likely benign. Last evaluated: 2026-09-01. Review status: criteria provided, single submitter. Criteria: CeGaT Center For Human Genetics Tuebingen Variant Classification Criteria Version 2. Collection method: clinical testing. Allele origin: germline. Affected: yes. Observed: 5 variant alleles.
Comment: SLX4: BP4, BS1

Labcorp Genetics (formerly Invitae), Labcorp
Classification: Benign for Fanconi anemia. Last evaluated: 2026-01-19. Review status: criteria provided, single submitter. Criteria: Invitae Variant Classification Sherloc (09022015). Collection method: clinical testing. Allele origin: germline.

Blueprint Genetics
Classification: Likely benign. Last evaluated: 2024-10-11. Review status: criteria provided, single submitter. Criteria: ACMG Guidelines, 2015. Collection method: clinical testing. Allele origin: germline.

GeneDx
Classification: Likely benign. Last evaluated: 2023-12-18. Review status: criteria provided, single submitter. Criteria: GeneDx Variant Classification Process June 2021. Collection method: clinical testing. Allele origin: germline. Affected: yes.
Comment: See Variant Classification Assertion Criteria.

Fulgent Genetics
Classification: Likely benign for Fanconi anemia complementation group P. Last evaluated: 2021-12-15. Review status: criteria provided, single submitter. Criteria: ACMG Guidelines, 2015. Collection method: clinical testing. Allele origin: unknown.

Genetic Services Laboratory, University of Chicago
Classification: Benign. Last evaluated: 2019-08-19. Review status: criteria provided, single submitter. Criteria: ACMG Guidelines, 2015. Collection method: clinical testing. Allele origin: germline. Affected: no.

Illumina Laboratory Services, Illumina
Classification: Benign for Fanconi anemia complementation group P. Last evaluated: 2018-01-12. Review status: criteria provided, single submitter. Criteria: ICSL Variant Classification Criteria 13 December 2019. Collection method: clinical testing. Allele origin: germline.
Comment: This variant was observed in the ICSL laboratory as part of a predisposition screen in an ostensibly healthy population. It had not been previously curated by ICSL or reported in the Human Gene Mutation Database (HGMD: prior to June 1st, 2018), and was therefore a candidate for classification through an automated scoring system. Utilizing variant allele frequency, disease prevalence and penetrance estimates, and inheritance mode, an automated score was calculated to assess if this variant is too frequent to cause the disease. Based on the score and internal cut-off values, a variant classified as benign is not then subjected to further curation. The score for this variant resulted in a classification of benign for this disease.

Center for Pediatric Genomic Medicine, Children's Mercy Hospital and Clinics
Classification: Likely benign. Last evaluated: 2016-09-28. Review status: criteria provided, single submitter. Criteria: ACMG Guidelines, 2015. Collection method: clinical testing. Allele origin: germline.
ClinVar note: Converted during submission from Likely Benign to Likely benign.

Breakthrough Genomics
Classification: Likely benign. Review status: criteria provided, single submitter. Criteria: ACMG Guidelines, 2015. Collection method: not provided. Allele origin: germline. Inheritance: Autosomal recessive inheritance. Affected: yes.